The following is an entry in ClinVar:

ClinVar aggregate classification (germline): Likely benign (0 of 4 stars; one submission).

Conditions:
ATP13A4-related disorder. Also called: ATP13A4-related condition.

Allele frequency attached by ClinVar (database versions not stated): ExAC 0.00002; gnomAD exomes 0.00002; gnomAD 0.00004; TOPMed 0.00012.
gnomAD v4.1: 39 of 1,613,946 alleles (0.0024%); highest among the groups gnomAD compares: African/African-American, 0.008%; no homozygotes.

Submission:

PreventionGenetics, part of Exact Sciences
Classification: Likely benign for ATP13A4-related condition. Last evaluated: 2019-08-09. Review status: no assertion criteria provided. Collection method: clinical testing. Allele origin: germline.
Comment: This variant is classified as likely benign based on ACMG/AMP sequence variant interpretation guidelines (Richards et al. 2015 PMID: 25741868, with internal and published modifications).

NM_032279.4(ATP13A4):c.1323G>A (p.Ala441=)

Gene: ATP13A4 (ATPase 13A4; minus strand). Cytogenetic location: 3q29.
Variant type: single nucleotide variant.
Coding change: c.1323G>A on transcript NM_032279.4 (MANE Select); coding-DNA position 1323, G replaced by A.
Protein change: p.Ala441=; no amino-acid change (alanine 441 retained).
Molecular consequence: synonymous variant.
Genome position (GRCh38, 1-based): chr3:193,465,078, C>T on the plus strand (G>A on the coding strand, the complement: ATP13A4 is on the minus strand). VCF-style: chr3-193465078-C-T. GRCh37 (hg19) VCF-style: chr3-193182867-C-T.
Identifiers: ClinVar variation 3035372 (VCV003035372.2), dbSNP rs759614179, ClinGen allele CA2758427.